The following is an entry in ClinVar:

NM_001384732.1(CPLANE1):c.1222C>G (p.Arg408Gly)

Gene: CPLANE1 (ciliogenesis and planar polarity effector complex subunit 1; minus strand). Cytogenetic location: 5p13.2.
Variant type: single nucleotide variant.
Coding change: c.1222C>G on transcript NM_001384732.1 (MANE Select); coding-DNA position 1222, C replaced by G.
Protein change: p.Arg408Gly; replaces arginine 408 with glycine.
Molecular consequence: missense variant.
Genome position (GRCh38, 1-based): chr5:37,227,717, G>C on the plus strand (C>G on the coding strand, the complement: CPLANE1 is on the minus strand). VCF-style: chr5-37227717-G-C. GRCh37 (hg19) VCF-style: chr5-37227819-G-C.
Other names: c.1222C>G, p.Arg408Gly (NM_023073.4); short protein forms R408G.
Identifiers: ClinVar variation 1352637 (VCV001352637.6), dbSNP rs189796608, ClinGen allele CA359505587.

ClinVar aggregate classification (germline): Uncertain significance (1 of 4 stars; one submission).

Submission:

Labcorp Genetics (formerly Invitae), Labcorp
Classification: Uncertain significance. Last evaluated: 2022-08-20. Review status: criteria provided, single submitter. Criteria: Invitae Variant Classification Sherloc (09022015). Collection method: clinical testing. Allele origin: germline.
Comment: Algorithms developed to predict the effect of missense changes on protein structure and function are either unavailable or do not agree on the potential impact of this missense change (SIFT: "Deleterious"; PolyPhen-2: "Probably Damaging"; Align-GVGD: "Class C0"). This sequence change replaces arginine, which is basic and polar, with glycine, which is neutral and non-polar, at codon 408 of the CPLANE1 protein (p.Arg408Gly). This variant is not present in population databases (gnomAD no frequency). This variant has not been reported in the literature in individuals affected with CPLANE1-related conditions. ClinVar contains an entry for this variant (Variation ID: 1352637). In summary, the available evidence is currently insufficient to determine the role of this variant in disease. Therefore, it has been classified as a Variant of Uncertain Significance.